The following is an entry in ClinVar:

NM_000059.4(BRCA2):c.6767G>T (p.Cys2256Phe)

Gene: BRCA2 (BRCA2 DNA repair associated; plus strand). Cytogenetic location: 13q13.1.
Variant type: single nucleotide variant.
Coding change: c.6767G>T on transcript NM_000059.4 (MANE Select); coding-DNA position 6767, G replaced by T.
Protein change: p.Cys2256Phe; replaces cysteine 2256 with phenylalanine.
Molecular consequence: missense variant. On other transcripts: intron variant (2), non-coding transcript variant (1).
Genome position (GRCh38, 1-based): chr13:32,341,122, G>T. VCF-style: chr13-32341122-G-T. GRCh37 (hg19) VCF-style: chr13-32915259-G-T.
Other names: c.425-3436G>T (NM_001406722.1); c.6767G>T, p.Cys2256Phe (NM_001406719.1, NM_001406720.1, NM_001432077.1); c.1910-3436G>T (NM_001406721.1); short protein forms C2256F.
Identifiers: ClinVar variation 4867810 (VCV004867810.1).

ClinVar aggregate classification (germline): Uncertain significance (1 of 4 stars; one submission).

Conditions:
Hereditary cancer-predisposing syndrome. Also called: Neoplastic Syndromes, Hereditary; Tumor predisposition; Hereditary Cancer Syndrome; Hereditary neoplastic syndrome. Identifiers: Orphanet 140162, MedGen C0027672, MeSH D009386, MONDO:0015356.

Submission:

Ambry Genetics
Classification: Uncertain significance for Hereditary cancer-predisposing syndrome. Last evaluated: 2026-04-05. Review status: criteria provided, single submitter. Criteria: Ambry Variant Classification Scheme 2023. Collection method: clinical testing. Allele origin: germline.
Comment: The p.C2256F variant (also known as c.6767G>T), located in coding exon 10 of the BRCA2 gene, results from a G to T substitution at nucleotide position 6767. The cysteine at codon 2256 is replaced by phenylalanine, an amino acid with highly dissimilar properties. This amino acid position is conserved. In addition, the in silico prediction for this alteration is inconclusive. Based on the available evidence, the clinical significance of this variant remains unclear.